The following is an entry in ClinVar:

ClinVar aggregate classification (germline): Benign. Review status: criteria provided, multiple submitters, no conflicts (2 of 4 stars). 5 submissions from 5 submitters: Benign (5). Last evaluated 2026-07-01.

Conditions:
Glycogen storage disease, type II (IOPD). Also called: CARDIOMEGALIA GLYCOGENICA DIFFUSA; GLYCOGEN STORAGE DISEASE II, INFANTILE-ONSET; POMPE DISEASE, INFANTILE-ONSET; ACID ALPHA-GLUCOSIDASE DEFICIENCY, INFANTILE-ONSET; GAA DEFICIENCY, INFANTILE-ONSET; ACID MALTASE DEFICIENCY, INFANTILE-ONSET. Identifiers: Orphanet 365, MedGen C0017921, MONDO:0009290, OMIM 232300.

Allele frequency attached by ClinVar (database versions not stated): gnomAD exomes 0.06476 and 0.06679; ExAC 0.06946; 1000 Genomes Project 0.08706; gnomAD 0.08791 and 0.09045; 1000 Genomes Project 30x 0.08823; TOPMed 0.08996; ESP Exome Variant Server 0.09980.
gnomAD v4.1: 108,223 of 1,611,454 alleles (6.7%); highest among the groups gnomAD compares: African/African-American, 16%; 4,317 homozygotes.

Submissions (5):

Genomenon, Inc
Classification: Benign for Glycogen storage disease, type II. Last evaluated: 2026-07-01. Review status: criteria provided, single submitter. Criteria: Genomenon Sequence Variant Interpretation Standards - Updated. Collection method: curation. Allele origin: germline. Affected: no.
Comment: GAA c.693-49C>T is an intronic variant located in intron 3. This variant is present at high allele frequency in population databases. We classify GAA c.693-49C>T as a benign variant.

Genome-Nilou Lab
Classification: Benign for Glycogen storage disease, type II. Last evaluated: 2021-06-10. Review status: criteria provided, single submitter. Criteria: ACMG Guidelines, 2015. Collection method: clinical testing. Allele origin: germline. Affected: no.

GeneDx
Classification: Benign. Last evaluated: 2018-06-14. Review status: criteria provided, single submitter. Criteria: GeneDx Variant Classification (06012015). Collection method: clinical testing. Allele origin: germline. Affected: yes.
Comment: This variant is considered likely benign or benign based on one or more of the following criteria: it is a conservative change, it occurs at a poorly conserved position in the protein, it is predicted to be benign by multiple in silico algorithms, and/or has population frequency not consistent with disease.

Breakthrough Genomics
Classification: Benign. Review status: criteria provided, single submitter. Criteria: ACMG Guidelines, 2015. Collection method: not provided. Allele origin: germline. Inheritance: Autosomal recessive inheritance. Affected: yes.

PreventionGenetics, part of Exact Sciences
Classification: Benign. Review status: criteria provided, single submitter. Criteria: ACMG Guidelines, 2015. Collection method: clinical testing. Allele origin: germline.

NM_000152.5(GAA):c.693-49C>T

Gene: GAA (alpha glucosidase; plus strand). Cytogenetic location: 17q25.3.
Variant type: single nucleotide variant.
Coding change: c.693-49C>T on transcript NM_000152.5 (MANE Select); 49 bases into the intron before coding-DNA position 693, C replaced by T.
Molecular consequence: intron variant.
Genome position (GRCh38, 1-based): chr17:80,107,508, C>T. VCF-style: chr17-80107508-C-T. GRCh37 (hg19) VCF-style: chr17-78081307-C-T.
Other names: c.693-49C>T (LRG_673t1, NM_001079803.3, NM_001079804.3).
Identifiers: ClinVar variation 255366 (VCV000255366.7), dbSNP rs78855075, ClinGen allele CA8814982.